The following is an entry in ClinVar:

NM_020401.4(NUP107):c.149del (p.Gln50fs)

Gene: NUP107 (nucleoporin 107; plus strand). Cytogenetic location: 12q15.
Variant type: Deletion.
Coding change: c.149del on transcript NM_020401.4 (MANE Select); coding-DNA position 149, one base deleted (A; older notation c.149delA).
Protein change: p.Gln50fs; shifts the reading frame from glutamine 50.
Molecular consequence: frameshift variant.
Genome position (GRCh38, 1-based): chr12:68,689,581, A deleted. VCF-style (leftmost placement, unchanged base first): chr12-68689580-CA-C. GRCh37 (hg19) VCF-style: chr12-69083360-CA-C.
Other names: c.34del, p.Arg12fs (NM_001330192.2); short protein forms Q50fs, R12fs.
Identifiers: ClinVar variation 5018695 (VCV005018695.2).
Genomic context (GRCh38, chr12:68,689,580, plus strand): 5'-ACTCGTTGTACAGTTCAGGCATCTCAAGATGAAAATTTTGGTAATACTACACCAAGAAAC[CA>C]GGTTATCCCTCGAACTCCTAGCTCATTTCGACAGCCTTGTAAGATTTTTTGCTTTTAAAG-3'

ClinVar aggregate classification (germline): Uncertain significance (1 of 4 stars; one submission).

Conditions:
Galloway-Mowat syndrome 7. Identifiers: MedGen C5193044, MONDO:0032692, OMIM 618348.
Nephrotic syndrome, type 11 (NPHS11). Identifiers: Orphanet 656, MedGen C4225228, MONDO:0014752, OMIM 616730.
Ovarian dysgenesis 6. Identifiers: MedGen C4748084, MONDO:0054850, OMIM 618078.

Submission:

Juno Genomics, Hangzhou Juno Genomics, Inc
Classification: Uncertain significance for Ovarian dysgenesis 6; Galloway-Mowat syndrome 7; Nephrotic syndrome, type 11. Review status: criteria provided, single submitter. Criteria: ACMG Guidelines, 2015. Collection method: clinical testing. Allele origin: germline.
Comment: Absent from controls (or at extremely low frequency if recessive) in Genome Aggregation Database.;Null variant in a gene where loss of function (LOF) is a known mechanism of disease.